The following is an entry in ClinVar:

NM_000059.4(BRCA2):c.2015G>A (p.Arg672Lys)

Gene: BRCA2 (BRCA2 DNA repair associated; plus strand). Cytogenetic location: 13q13.1.
Variant type: single nucleotide variant.
Coding change: c.2015G>A on transcript NM_000059.4 (MANE Select); coding-DNA position 2015, G replaced by A.
Protein change: p.Arg672Lys; replaces arginine 672 with lysine.
Molecular consequence: missense variant. On other transcripts: non-coding transcript variant (1), intron variant (2).
Genome position (GRCh38, 1-based): chr13:32,336,370, G>A. VCF-style: chr13-32336370-G-A. GRCh37 (hg19) VCF-style: chr13-32910507-G-A.
Other names: c.2015G>A, p.Arg672Lys (NM_001406719.1, NM_001406720.1); c.1909+2983G>A (NM_001406721.1); c.424+5340G>A (NM_001406722.1); short protein forms R672K.
Identifiers: ClinVar variation 3261631 (VCV003261631.1).
Genomic context (GRCh38, chr13:32,336,370, plus strand): 5'-CTGAAGAACCAACTTTGTCCTTAACTAGCTCTTTTGGGACAATTCTGAGGAAATGTTCTA[G>A]AAATGAAACATGTTCTAATAATACAGTAATCTCTCAGGATCTTGATTATAAAGAAGCAAA-3'
Protein context (NP_000050.3, residues 662-682): SFGTILRKCS[Arg672Lys]NETCSNNTVI

ClinVar aggregate classification (germline): Uncertain significance (1 of 4 stars; one submission).

Conditions:
Hereditary cancer-predisposing syndrome. Also called: Hereditary Cancer Syndrome; Tumor predisposition; Hereditary neoplastic syndrome; Neoplastic Syndromes, Hereditary. Identifiers: Orphanet 140162, MedGen C0027672, MeSH D009386, MONDO:0015356.

Submission:

Ambry Genetics
Classification: Uncertain significance for Hereditary cancer-predisposing syndrome. Last evaluated: 2024-05-22. Review status: criteria provided, single submitter. Criteria: Ambry Variant Classification Scheme 2023. Collection method: clinical testing. Allele origin: germline.
Comment: The p.R672K variant (also known as c.2015G>A), located in coding exon 10 of the BRCA2 gene, results from a G to A substitution at nucleotide position 2015. The arginine at codon 672 is replaced by lysine, an amino acid with highly similar properties. This amino acid position is conserved. In addition, this alteration is predicted to be tolerated by in silico analysis. Based on the available evidence, the clinical significance of this variant remains unclear.